The following is an entry in ClinVar:

NM_001098426.2(SMARCD2):c.120G>A (p.Pro40=)

Genes: SMARCD2 (SWI/SNF related BAF chromatin remodeling complex subunit D2; minus strand), LOC130061409 (ATAC-STARR-seq lymphoblastoid silent region 8832; plus strand). Cytogenetic location: 17q23.3.
Variant type: single nucleotide variant.
Coding change: c.120G>A on transcript NM_001098426.2 (MANE Select); coding-DNA position 120, G replaced by A.
Protein change: p.Pro40=; no amino-acid change (proline 40 retained).
Molecular consequence: synonymous variant.
Genome position (GRCh38, 1-based): chr17:63,842,555, C>T on the plus strand (G>A on the coding strand, the complement: SMARCD2 is on the minus strand). VCF-style: chr17-63842555-C-T. GRCh37 (hg19) VCF-style: chr17-61919915-C-T.
Other names: c.120G>A (NM_001098426.1).
Identifiers: ClinVar variation 1040218 (VCV001040218.31), dbSNP rs1032122204, ClinGen allele CA292957785.
Genomic context (GRCh38, chr17:63,842,555, plus strand): 5'-GCGGAAGGCGGCGGCCCCGGGGCCCCCCACGCCTCCTGCCGGACCCGGTCCCCGGAGCGC[C>T]GGTCCGGGCAGCATGCCGGGTCCCGCGGGGGGAGGCGGCGCTCCCAGGGCCGCAGCCACG-3'
Protein context (NP_001091896.1, residues 30-50): PPAGPGMLPG[Pro40=]ALRGPGPAGG

ClinVar aggregate classification (germline): Likely benign. Review status: criteria provided, multiple submitters, no conflicts (2 of 4 stars). 4 submissions from 4 submitters: Likely benign (3). 1 of the submissions does not count toward it. Last evaluated 2026-02-01.

Conditions:
SMARCD2-related disorder. Also called: SMARCD2-related condition.

Allele frequency attached by ClinVar (database versions not stated): 1000 Genomes Project 30x 0.00031; TOPMed 0.00049; gnomAD 0.00050 and 0.00052.

Submissions (4):

Labcorp Genetics (formerly Invitae), Labcorp
Classification: Likely benign. Last evaluated: 2026-02-01. Review status: criteria provided, single submitter. Criteria: Invitae Variant Classification Sherloc (09022015). Collection method: clinical testing. Allele origin: germline.

Blueprint Genetics
Classification: Likely benign. Last evaluated: 2024-11-25. Review status: criteria provided, single submitter. Criteria: ACMG Guidelines, 2015. Collection method: clinical testing. Allele origin: germline.

CeGaT Center for Human Genetics Tuebingen
Classification: Likely benign. Last evaluated: 2023-12-01. Review status: criteria provided, single submitter. Criteria: CeGaT Center For Human Genetics Tuebingen Variant Classification Criteria Version 2. Collection method: clinical testing. Allele origin: germline. Affected: yes. Observed: 1 variant allele.
Comment: SMARCD2: BP4, BP7

PreventionGenetics, part of Exact Sciences
Classification: Likely benign for SMARCD2-related condition. Last evaluated: 2023-04-04. Review status: no assertion criteria provided. Collection method: clinical testing. Allele origin: germline. Not counted in ClinVar's aggregate classification.
Comment: This variant is classified as likely benign based on ACMG/AMP sequence variant interpretation guidelines (Richards et al. 2015 PMID: 25741868, with internal and published modifications).